The following is an entry in ClinVar:

NM_199420.4(POLQ):c.2525C>G (p.Ala842Gly)

Gene: POLQ (DNA polymerase theta; minus strand). Cytogenetic location: 3q13.33.
Variant type: single nucleotide variant.
Coding change: c.2525C>G on transcript NM_199420.4 (MANE Select); coding-DNA position 2525, C replaced by G.
Protein change: p.Ala842Gly; replaces alanine 842 with glycine.
Molecular consequence: missense variant.
Genome position (GRCh38, 1-based): chr3:121,490,406, G>C on the plus strand (C>G on the coding strand, the complement: POLQ is on the minus strand). VCF-style: chr3-121490406-G-C. GRCh37 (hg19) VCF-style: chr3-121209253-G-C.
Other names: short protein forms A842G.
Identifiers: ClinVar variation 3422390 (VCV003422390.1).
Genomic context (GRCh38, chr3:121,490,406, plus strand): 5'-ATAGTTCGCATATTGCGACGTTCTTCAACTGCTTCCTCTTCCTCATCCACTGCCTTCCGG[G>C]CACTACACAAGGAGATGGGAAAAGACAGAAATGAATTCATTCATTCGTAAGGCAAGTATT-3'
Protein context (NP_955452.3, residues 832-852): ILKNAVPFKS[Ala842Gly]RKAVDEEEEA

ClinVar aggregate classification (germline): Uncertain significance (1 of 4 stars; one submission).

Submission:

Ambry Genetics
Classification: Uncertain significance. Last evaluated: 2024-10-23. Review status: criteria provided, single submitter. Criteria: Ambry Variant Classification Scheme 2023. Collection method: clinical testing. Allele origin: germline.
Comment: The p.A842G variant (also known as c.2525C>G), located in coding exon 16 of the POLQ gene, results from a C to G substitution at nucleotide position 2525. The alanine at codon 842 is replaced by glycine, an amino acid with similar properties. This amino acid position is conserved. In addition, this alteration is predicted to be tolerated by in silico analysis. Based on the available evidence, the clinical significance of this variant remains unclear.